The following is an entry in ClinVar:

NM_016938.5(EFEMP2):c.927C>T (p.Cys309=)

Gene: EFEMP2 (EGF-like fibulin extracellular matrix protein 2; minus strand). Cytogenetic location: 11q13.1.
Variant type: single nucleotide variant.
Coding change: c.927C>T on transcript NM_016938.5 (MANE Select); coding-DNA position 927, C replaced by T.
Protein change: p.Cys309=; no amino-acid change (cysteine 309 retained).
Molecular consequence: synonymous variant. On other transcripts: non-coding transcript variant (1).
Genome position (GRCh38, 1-based): chr11:65,868,342, G>A on the plus strand (C>T on the coding strand, the complement: EFEMP2 is on the minus strand). VCF-style: chr11-65868342-G-A. GRCh37 (hg19) VCF-style: chr11-65635813-G-A.
Other names: p.Cys309=.
Identifiers: ClinVar variation 506520 (VCV000506520.11), dbSNP rs766494495, ClinGen allele CA6110485.

ClinVar aggregate classification (germline): Likely benign. Review status: criteria provided, multiple submitters, no conflicts (2 of 4 stars). 7 submissions from 7 submitters: Likely benign (7). Last evaluated 2026-02-04.

Conditions:
Cardiovascular phenotype. Identifiers: MedGen CN230736.
Cutis laxa, autosomal recessive, type 1B (ARCL1B). Also called: EFEMP2-Related Cutis Laxa; CUTIS LAXA, AUTOSOMAL RECESSIVE, TYPE IB. Identifiers: Orphanet 90349, MedGen C3280798, MONDO:0013754, OMIM 614437. Disease mechanism: loss of function.

Allele frequency attached by ClinVar (database versions not stated): ExAC 0.00001; gnomAD 0.00001 and 0.00002; gnomAD exomes 0.00002 and 0.00009; TOPMed 0.00004.

Submissions (7):

Labcorp Genetics (formerly Invitae), Labcorp
Classification: Likely benign for Cutis laxa, autosomal recessive, type 1B. Last evaluated: 2026-02-04. Review status: criteria provided, single submitter. Criteria: Invitae Variant Classification Sherloc (09022015). Collection method: clinical testing. Allele origin: germline.

Mayo Clinic Laboratories, Mayo Clinic
Classification: Likely benign. Last evaluated: 2025-08-05. Review status: criteria provided, single submitter. Criteria: ACMG Guidelines, 2015. Collection method: clinical testing. Allele origin: germline. Observed: 1 variant allele.
Comment: BP4, BP7

Blueprint Genetics
Classification: Likely benign. Last evaluated: 2024-09-05. Review status: criteria provided, single submitter. Criteria: ACMG Guidelines, 2015. Collection method: clinical testing. Allele origin: germline.

Women's Health and Genetics/Laboratory Corporation of America, LabCorp
Classification: Likely benign. Last evaluated: 2023-07-21. Review status: criteria provided, single submitter. Criteria: LabCorp Variant Classification Summary - May 2015. Collection method: clinical testing. Allele origin: germline.

Ambry Genetics
Classification: Likely benign for Cardiovascular phenotype. Last evaluated: 2022-04-09. Review status: criteria provided, single submitter. Criteria: Ambry Variant Classification Scheme 2023. Collection method: clinical testing. Allele origin: germline.

Fulgent Genetics
Classification: Likely benign for Cutis laxa, autosomal recessive, type 1B. Last evaluated: 2021-08-10. Review status: criteria provided, single submitter. Criteria: ACMG Guidelines, 2015. Collection method: clinical testing. Allele origin: unknown.

GeneDx
Classification: Likely benign. Last evaluated: 2017-03-20. Review status: criteria provided, single submitter. Criteria: GeneDx Variant Classification (06012015). Collection method: clinical testing. Allele origin: germline. Affected: yes.
Comment: This variant is considered likely benign or benign based on one or more of the following criteria: it is a conservative change, it occurs at a poorly conserved position in the protein, it is predicted to be benign by multiple in silico algorithms, and/or has population frequency not consistent with disease.